The following is an entry in ClinVar:

NM_000395.3(CSF2RB):c.1673C>A (p.Ala558Asp)

Gene: CSF2RB (colony stimulating factor 2 receptor subunit beta; plus strand). Cytogenetic location: 22q12.3.
Variant type: single nucleotide variant.
Coding change: c.1673C>A on transcript NM_000395.3 (MANE Select); coding-DNA position 1673, C replaced by A.
Protein change: p.Ala558Asp; replaces alanine 558 with aspartic acid.
Molecular consequence: missense variant.
Genome position (GRCh38, 1-based): chr22:36,937,481, C>A. VCF-style: chr22-36937481-C-A. GRCh37 (hg19) VCF-style: chr22-37333523-C-A.
Other names: c.1691C>A, p.Ala564Asp (NM_001410827.1); short protein forms A558D, A564D.
Identifiers: ClinVar variation 4744371 (VCV004744371.1).

ClinVar aggregate classification (germline): Uncertain significance (1 of 4 stars; one submission).

Submission:

Labcorp Genetics (formerly Invitae), Labcorp
Classification: Uncertain significance. Last evaluated: 2025-08-18. Review status: criteria provided, single submitter. Criteria: Invitae Variant Classification Sherloc (09022015). Collection method: clinical testing. Allele origin: germline.
Comment: This sequence change replaces alanine, which is neutral and non-polar, with aspartic acid, which is acidic and polar, at codon 558 of the CSF2RB protein (p.Ala558Asp). This variant is not present in population databases (gnomAD no frequency). This variant has not been reported in the literature in individuals affected with CSF2RB-related conditions. Invitae Evidence Modeling of protein sequence and biophysical properties (such as structural, functional, and spatial information, amino acid conservation, physicochemical variation, residue mobility, and thermodynamic stability) indicates that this missense variant is not expected to disrupt CSF2RB protein function with a negative predictive value of 80%. In summary, the available evidence is currently insufficient to determine the role of this variant in disease. Therefore, it has been classified as a Variant of Uncertain Significance.